The following is an entry in ClinVar:

ClinVar aggregate classification (germline): Pathogenic (1 of 4 stars; one submission).

Submission:

Labcorp Genetics (formerly Invitae), Labcorp
Classification: Pathogenic. Last evaluated: 2023-09-20. Review status: criteria provided, single submitter. Criteria: Invitae Variant Classification Sherloc (09022015). Collection method: clinical testing. Allele origin: germline.
Comment: This sequence change creates a premature translational stop signal (p.Asp36Glufs*4) in the SLC26A5 gene. It is expected to result in an absent or disrupted protein product. Loss-of-function variants in SLC26A5 are known to be pathogenic (PMID: 12239568, 24164807). For these reasons, this variant has been classified as Pathogenic. This variant has not been reported in the literature in individuals affected with SLC26A5-related conditions. This variant is not present in population databases (gnomAD no frequency).

Literature cited by the submitters: PubMed 12239568; PubMed 24164807.

NM_198999.3(SLC26A5):c.108_109del (p.Asp36fs)

Gene: SLC26A5 (solute carrier family 26 member 5; minus strand). Cytogenetic location: 7q22.1.
Variant type: Deletion.
Coding change: c.108_109del on transcript NM_198999.3 (MANE Select); coding-DNA positions 108 to 109, 2 bases deleted (CA; older notation c.108_109delCA).
Protein change: p.Asp36fs; shifts the reading frame from aspartic acid 36.
Molecular consequence: frameshift variant. On other transcripts: non-coding transcript variant (5).
Genome position (GRCh38, 1-based): chr7:103,421,406-103,421,407, TG deleted on the plus strand (CA on the coding strand, the reverse complement: SLC26A5 is on the minus strand); deleting any 2 consecutive bases within chr7:103,421,406-103,421,408 gives the same sequence; the c. name uses the placement nearest the transcript's 3' end. VCF-style (leftmost placement, unchanged base first): chr7-103421405-TTG-T. GRCh37 (hg19) VCF-style: chr7-103061852-TTG-T.
Other names: c.108_109del, p.Asp36fs (NM_001167962.2, NM_001321787.2, NM_206883.3 and 2 more transcripts); short protein forms D36fs.
Identifiers: ClinVar variation 2762194 (VCV002762194.3), dbSNP rs2485468089, ClinGen allele CA2697557552.